The following is an entry in ClinVar:

ClinVar aggregate classification (germline): Uncertain significance (1 of 4 stars; one submission).

gnomAD v4.1: 1 of 1,611,078 alleles (0.000062%); highest among the groups gnomAD compares: Non-Finnish European, 0.000085%; no homozygotes.

Submission:

Labcorp Genetics (formerly Invitae), Labcorp
Classification: Uncertain significance. Last evaluated: 2025-03-31. Review status: criteria provided, single submitter. Criteria: Invitae Variant Classification Sherloc (09022015). Collection method: clinical testing. Allele origin: germline.
Comment: This sequence change replaces glycine, which is neutral and non-polar, with valine, which is neutral and non-polar, at codon 460 of the SLC6A19 protein (p.Gly460Val). This variant is not present in population databases (gnomAD no frequency). This variant has not been reported in the literature in individuals affected with SLC6A19-related conditions. ClinVar contains an entry for this variant (Variation ID: 2892964). Invitae Evidence Modeling of protein sequence and biophysical properties (such as structural, functional, and spatial information, amino acid conservation, physicochemical variation, residue mobility, and thermodynamic stability) indicates that this missense variant is not expected to disrupt SLC6A19 protein function with a negative predictive value of 80%. In summary, the available evidence is currently insufficient to determine the role of this variant in disease. Therefore, it has been classified as a Variant of Uncertain Significance.

NM_001003841.3(SLC6A19):c.1379G>T (p.Gly460Val)

Gene: SLC6A19 (solute carrier family 6 member 19; plus strand). Cytogenetic location: 5p15.33.
Variant type: single nucleotide variant.
Coding change: c.1379G>T on transcript NM_001003841.3 (MANE Select); coding-DNA position 1379, G replaced by T.
Protein change: p.Gly460Val; replaces glycine 460 with valine.
Molecular consequence: missense variant.
Genome position (GRCh38, 1-based): chr5:1,219,505, G>T. VCF-style: chr5-1219505-G-T. GRCh37 (hg19) VCF-style: chr5-1219620-G-T.
Other names: short protein forms G460V.
Identifiers: ClinVar variation 2892964 (VCV002892964.3), dbSNP rs1169803669, ClinGen allele CA359074526.